The following is an entry in ClinVar:

NM_144997.7(FLCN):c.904T>C (p.Ser302Pro)

Gene: FLCN (folliculin; minus strand). Cytogenetic location: 17p11.2.
Variant type: single nucleotide variant.
Coding change: c.904T>C on transcript NM_144997.7 (MANE Select); coding-DNA position 904, T replaced by C.
Protein change: p.Ser302Pro; replaces serine 302 with proline.
Molecular consequence: missense variant.
Genome position (GRCh38, 1-based): chr17:17,219,177, A>G on the plus strand (T>C on the coding strand, the complement: FLCN is on the minus strand). VCF-style: chr17-17219177-A-G. GRCh37 (hg19) VCF-style: chr17-17122491-A-G.
Other names: c.958T>C, p.Ser320Pro (NM_001353229.2); c.904T>C, p.Ser302Pro (NM_001353230.2, NM_001353231.2); short protein forms S302P, S320P.
Identifiers: ClinVar variation 2108099 (VCV002108099.5), dbSNP rs2544196886, ClinGen allele CA398533039.
Genomic context (GRCh38, chr17:17,219,177, plus strand): 5'-GCTCCCGCCCTTCTGTACTCTCTGGCAACACAGGGGCTTTCTCCTCCTCTTCAGCCTCAG[A>G]GTTGTCCCAGCTTTCTGATTCCTCTTCTAAATCTGCAAGACAGATGACAAGGACAGTTAC-3'
Protein context (NP_659434.2, residues 292-312): LEEESESWDN[Ser302Pro]EAEEEEKAPV

ClinVar aggregate classification (germline): Uncertain significance. Review status: criteria provided, multiple submitters, no conflicts (2 of 4 stars). 2 submissions from 2 submitters: Uncertain significance (2). Last evaluated 2026-03-03.

Conditions:
Hereditary cancer-predisposing syndrome. Also called: Neoplastic Syndromes, Hereditary; Tumor predisposition; Hereditary Cancer Syndrome; Hereditary neoplastic syndrome. Identifiers: Orphanet 140162, MedGen C0027672, MeSH D009386, MONDO:0015356.
Birt-Hogg-Dube syndrome. Also called: Birt Hogg Dubé syndrome. Identifiers: Orphanet 122, MedGen C0346010, MONDO:0800444.

gnomAD v4.1: 1 of 1,614,170 alleles (0.000062%); highest among the groups gnomAD compares: Non-Finnish European, 0.000085%; no homozygotes.

Submissions (2):

Ambry Genetics
Classification: Uncertain significance for Hereditary cancer-predisposing syndrome. Last evaluated: 2026-03-03. Review status: criteria provided, single submitter. Criteria: Ambry Variant Classification Scheme 2023. Collection method: clinical testing. Allele origin: germline.

Labcorp Genetics (formerly Invitae), Labcorp
Classification: Uncertain significance for Birt-Hogg-Dube syndrome. Last evaluated: 2022-03-16. Review status: criteria provided, single submitter. Criteria: Invitae Variant Classification Sherloc (09022015). Collection method: clinical testing. Allele origin: germline.
Comment: This variant is not present in population databases (gnomAD no frequency). In summary, the available evidence is currently insufficient to determine the role of this variant in disease. Therefore, it has been classified as a Variant of Uncertain Significance. Algorithms developed to predict the effect of missense changes on protein structure and function (SIFT, PolyPhen-2, Align-GVGD) all suggest that this variant is likely to be tolerated. This variant has not been reported in the literature in individuals affected with FLCN-related conditions. This sequence change replaces serine, which is neutral and polar, with proline, which is neutral and non-polar, at codon 302 of the FLCN protein (p.Ser302Pro).